The following is an entry in ClinVar:

NM_000094.4(COL7A1):c.2532_2536dup (p.Ala846fs)

Gene: COL7A1 (collagen type VII alpha 1 chain; minus strand). Cytogenetic location: 3p21.31.
Variant type: Duplication.
Coding change: c.2532_2536dup on transcript NM_000094.4 (MANE Select); coding-DNA positions 2532 to 2536, 5 bases duplicated (GACTG; older notation c.2532_2536dupGACTG).
Protein change: p.Ala846fs; shifts the reading frame from alanine 846.
Molecular consequence: frameshift variant.
Genome position (GRCh38, 1-based): chr3:48,588,693-48,588,697, CAGTC duplicated on the plus strand (GACTG on the coding strand, the reverse complement: COL7A1 is on the minus strand). VCF-style (leftmost placement, unchanged base first): chr3-48588692-G-GCAGTC. GRCh37 (hg19) VCF-style: chr3-48626125-G-GCAGTC.
Other names: short protein forms A846fs.
Identifiers: ClinVar variation 2709022 (VCV002709022.4), dbSNP rs2531258831, ClinGen allele CA2697550939.

ClinVar aggregate classification (germline): Pathogenic. Review status: criteria provided, multiple submitters, no conflicts (2 of 4 stars). 2 submissions from 2 submitters: Pathogenic (2). Last evaluated 2025-04-05.

Conditions:
Recessive dystrophic epidermolysis bullosa (RDEB). Also called: severe generalized recessive dystrophic epidermolysis bullosa; Recessive DEB (RDEB); DYSTROPHIC EPIDERMOLYSIS BULLOSA, AUTOSOMAL RECESSIVE; EPIDERMOLYSIS BULLOSA DYSTROPHICA, HALLOPEAU-SIEMENS TYPE; Hallopeau-Siemens Disease; EPIDERMOLYSIS BULLOSA DYSTROPHICA, GENERALIZED SEVERE, AUTOSOMAL RECESSIVE. Identifiers: Orphanet 79408, Orphanet 79409, MedGen C0079474, MONDO:0009179, OMIM 226600.

Submissions (2):

Myriad Genetics, Inc.
Classification: Pathogenic for Recessive dystrophic epidermolysis bullosa. Last evaluated: 2025-04-05. Review status: criteria provided, single submitter. Criteria: Myriad Autosomal Dominant, Autosomal Recessive and X-Linked Classification Criteria (2023). Collection method: clinical testing. Allele origin: unknown.
Comment: NM_000094.3(COL7A1):c.2532_2536dup5(A846Gfs*40) is expected to be pathogenic in the context of dystrophic epidermolysis bullosa. This variant is predicted to lead to an abnormal or absent protein product due to the creation of a premature termination codon in COL7A1, a gene where loss-of-function variants are known to be pathogenic. Please note: this variant was assessed in the context of healthy population screening.

Labcorp Genetics (formerly Invitae), Labcorp
Classification: Pathogenic. Last evaluated: 2024-01-11. Review status: criteria provided, single submitter. Criteria: Invitae Variant Classification Sherloc (09022015). Collection method: clinical testing. Allele origin: germline.
Comment: This sequence change creates a premature translational stop signal (p.Ala846Glyfs*40) in the COL7A1 gene. It is expected to result in an absent or disrupted protein product. Loss-of-function variants in COL7A1 are known to be pathogenic (PMID: 16971478). This variant is not present in population databases (gnomAD no frequency). This variant has not been reported in the literature in individuals affected with COL7A1-related conditions. For these reasons, this variant has been classified as Pathogenic.

Literature cited by the submitters: PubMed 16971478 (cited by Labcorp Genetics (formerly Invitae), Labcorp).